The following is an entry in ClinVar:

NM_000059.4(BRCA2):c.7331A>G (p.Asp2444Gly)

Gene: BRCA2 (BRCA2 DNA repair associated; plus strand). Cytogenetic location: 13q13.1.
Variant type: single nucleotide variant.
Coding change: c.7331A>G on transcript NM_000059.4 (MANE Select); coding-DNA position 7331, A replaced by G.
Protein change: p.Asp2444Gly; replaces aspartic acid 2444 with glycine.
Molecular consequence: missense variant.
Genome position (GRCh38, 1-based): chr13:32,355,184, A>G. VCF-style: chr13-32355184-A-G. GRCh37 (hg19) VCF-style: chr13-32929321-A-G.
Other names: short protein forms D2444G.
Identifiers: ClinVar variation 96850 (VCV000096850.17), dbSNP rs431825352, ClinGen allele CA025032.
Genomic context (GRCh38, chr13:32,355,184, plus strand): 5'-GGAATATTAACTTGGAGGAAAACAGACAAAAGCAAAACATTGATGGACATGGCTCTGATG[A>G]TAGTAAAAATAAGATTAATGACAATGAGATTCATCAGTTTAACAAAAACAACTCCAATCA-3'
Protein context (NP_000050.3, residues 2434-2454): KQNIDGHGSD[Asp2444Gly]SKNKINDNEI

ClinVar aggregate classification (germline): Conflicting classifications of pathogenicity. Review status: criteria provided, conflicting classifications (1 of 4 stars). 5 submissions from 5 submitters: Uncertain significance (2); Likely benign (1). 2 of the submissions do not count toward it. Last evaluated 2025-11-23.

Conditions:
Hereditary cancer-predisposing syndrome. Also called: Hereditary Cancer Syndrome; Neoplastic Syndromes, Hereditary; Hereditary neoplastic syndrome; Tumor predisposition. Identifiers: Orphanet 140162, MedGen C0027672, MeSH D009386, MONDO:0015356.
Hereditary breast ovarian cancer syndrome. Also called: Breast and ovarian cancer; Hereditary breast and/or ovarian cancer syndrome; Hereditary breast and ovarian cancer; Hereditary breast and ovarian cancer syndrome; Hereditary breast and ovarian cancer syndrome (HBOC); BRCA1- and BRCA2-Associated Hereditary Breast and Ovarian Cancer. Identifiers: Orphanet 145, MedGen C0677776, MeSH D061325, MONDO:0003582. Disease mechanism: loss of function.
Breast-ovarian cancer, familial, susceptibility to, 2 (BROVCA2). Also called: BRCA2 Hereditary Breast and Ovarian Cancer. Identifiers: Orphanet 145, MedGen C2675520, MONDO:0012933, OMIM 612555. Disease mechanism: loss of function.

Submissions (5):

Labcorp Genetics (formerly Invitae), Labcorp
Classification: Uncertain significance for Hereditary breast ovarian cancer syndrome. Last evaluated: 2025-11-23. Review status: criteria provided, single submitter. Criteria: Invitae Variant Classification Sherloc (09022015). Collection method: clinical testing. Allele origin: germline.
Comment: This sequence change replaces aspartic acid, which is acidic and polar, with glycine, which is neutral and non-polar, at codon 2444 of the BRCA2 protein (p.Asp2444Gly). This variant is not present in population databases (gnomAD no frequency). This variant has not been reported in the literature in individuals affected with BRCA2-related conditions. ClinVar contains an entry for this variant (Variation ID: 96850). Invitae Evidence Modeling of protein sequence and biophysical properties (such as structural, functional, and spatial information, amino acid conservation, physicochemical variation, residue mobility, and thermodynamic stability) indicates that this missense variant is not expected to disrupt BRCA2 protein function with a negative predictive value of 95%. In summary, the available evidence is currently insufficient to determine the role of this variant in disease. Therefore, it has been classified as a Variant of Uncertain Significance.

Ambry Genetics
Classification: Likely benign for Hereditary cancer-predisposing syndrome. Last evaluated: 2024-07-06. Review status: criteria provided, single submitter. Criteria: Ambry Variant Classification Scheme 2023. Collection method: clinical testing. Allele origin: germline.

GeneDx
Classification: Uncertain significance. Last evaluated: 2015-05-06. Review status: criteria provided, single submitter. Criteria: GeneDx Variant Classification (06012015). Collection method: clinical testing. Allele origin: germline. Affected: yes.
Comment: This variant is denoted BRCA2 c.7331A>G at the cDNA level, p.Asp2444Gly (D2444G) at the protein level, and results in the change of an Aspartic Acid to a Glycine (GAT>GGT). Using alternate nomenclature, this variant would be defined as BRCA2 7559A>G. This variant has not, to our knowledge, been published in the literature as pathogenic or benign. BRCA2 Asp2444Gly was not observed in approximately 6,500 individuals of European and African American ancestry in the NHLBI Exome Sequencing Project, indicating it is not a common benign variant in these populations. Since Aspartic Acid and Glycine differ in polarity, charge, size or other properties, this is considered a non-conservative amino acid substitution. BRCA2 Asp2444Gly occurs at a position that is not conserved and is located in the region of interaction with FANCD2 (UniProt). In silico analyses predict that this variant is unlikely to alter protein structure or function. Based on currently available information, it is unclear whether BRCA2 Asp2444Gly is pathogenic or benign. We consider it to be a variant of uncertain significance.

Counsyl
Classification: Uncertain significance for Breast-ovarian cancer, familial, susceptibility to, 2. Last evaluated: 2017-03-07. Review status: no assertion criteria provided. Collection method: clinical testing. Allele origin: unknown. Not counted in ClinVar's aggregate classification.

Sharing Clinical Reports Project (SCRP)
Classification: Uncertain significance for Breast-ovarian cancer, familial 2. Last evaluated: 2010-05-26. Review status: no assertion criteria provided. Collection method: clinical testing. Allele origin: germline. Not counted in ClinVar's aggregate classification.